The following is an entry in ClinVar:

ClinVar aggregate classification (germline): Pathogenic (1 of 4 stars; one submission).

Conditions:
Inborn genetic diseases. Identifiers: MedGen C0950123, MeSH D030342.

Submission:

Ambry Genetics
Classification: Pathogenic for Inborn genetic diseases. Last evaluated: 2025-06-13. Review status: criteria provided, single submitter. Criteria: Ambry Variant Classification Scheme 2023. Collection method: clinical testing. Allele origin: germline.
Comment: The c.7098_7099delGT (p.S2367Lfs*52) alteration, located in exon 17 (coding exon 17) of the PKD1 gene, consists of a deletion of 2 nucleotides from position 7098 to 7099, causing a translational frameshift with a predicted alternate stop codon after 52 amino acids. This alteration is expected to result in loss of function by premature protein truncation or nonsense-mediated mRNA decay. This variant was not reported in population-based cohorts in the Genome Aggregation Database (gnomAD). Based on the available evidence, this alteration is classified as pathogenic.

NM_001009944.3(PKD1):c.7098_7099del (p.Ser2367fs)

Gene: PKD1 (polycystin 1, transient receptor potential channel interacting; minus strand). Cytogenetic location: 16p13.3.
Variant type: Microsatellite.
Coding change: c.7098_7099del on transcript NM_001009944.3 (MANE Select); coding-DNA positions 7098 to 7099, 2 bases deleted (GT; older notation c.7098_7099delGT).
Protein change: p.Ser2367fs; shifts the reading frame from serine 2367.
Molecular consequence: frameshift variant.
Genome position (GRCh38, 1-based): chr16:2,106,915-2,106,916, AC deleted on the plus strand (GT on the coding strand, the reverse complement: PKD1 is on the minus strand); deleting any 2 consecutive bases within chr16:2,106,915-2,106,919 gives the same sequence; the c. name uses the placement nearest the transcript's 3' end. VCF-style (leftmost placement, unchanged base first): chr16-2106914-GAC-G. GRCh37 (hg19) VCF-style: chr16-2156915-GAC-G.
Other names: c.7098_7099del, p.Ser2367fs (NM_000296.4); short protein forms S2367fs.
Identifiers: ClinVar variation 3932870 (VCV003932870.1).